The following is an entry in ClinVar:

NM_004415.4(DSP):c.1290A>C (p.Glu430Asp)

Gene: DSP (desmoplakin; plus strand). Cytogenetic location: 6p24.3.
Variant type: single nucleotide variant.
Coding change: c.1290A>C on transcript NM_004415.4 (MANE Select); coding-DNA position 1290, A replaced by C.
Protein change: p.Glu430Asp; replaces glutamic acid 430 with aspartic acid.
Molecular consequence: missense variant.
Genome position (GRCh38, 1-based): chr6:7,568,460, A>C. VCF-style: chr6-7568460-A-C. GRCh37 (hg19) VCF-style: chr6-7568693-A-C.
Other names: c.1290A>C, p.Glu430Asp (NM_001008844.3, NM_001319034.2, NM_001406591.1); short protein forms E430D.
Identifiers: ClinVar variation 4757477 (VCV004757477.1).

ClinVar aggregate classification (germline): Uncertain significance (1 of 4 stars; one submission).

Conditions:
Cardiomyopathy (CMYO). Also called: Cardiomyopathies. Identifiers: Orphanet 167848, MedGen C0878544, MONDO:0004994, HP:0001638. Inheritance: Various modes of inheritance.

gnomAD v4.1: 2 of 1,614,146 alleles (0.00012%); highest among the groups gnomAD compares: Non-Finnish European, 0.00017%; no homozygotes.

Submission:

Color Diagnostics, LLC DBA Color Health
Classification: Uncertain significance for Cardiomyopathy. Last evaluated: 2025-07-02. Review status: criteria provided, single submitter. Criteria: ACMG Guidelines, 2015. Collection method: clinical testing. Allele origin: germline.
Comment: This missense variant replaces glutamic acid with aspartic acid at codon 430 of the DSP protein. Computational prediction is inconclusive regarding the impact of this variant on protein structure and function. To our knowledge, functional studies have not been reported for this variant. This variant has not been reported in individuals affected with DSP-related disorders in the literature. This variant has not been identified in the general population by the Genome Aggregation Database (gnomAD). The available evidence is insufficient to determine the role of this variant in disease conclusively. Therefore, this variant is classified as a Variant of Uncertain Significance.